The following is an entry in ClinVar:

NM_025137.4(SPG11):c.6585+7G>A

Gene: SPG11 (SPG11 vesicle trafficking associated, spatacsin; minus strand). Cytogenetic location: 15q21.1.
Variant type: single nucleotide variant.
Coding change: c.6585+7G>A on transcript NM_025137.4 (MANE Select); 7 bases into the intron after coding-DNA position 6585, G replaced by A.
Molecular consequence: intron variant.
Genome position (GRCh38, 1-based): chr15:44,569,391, C>T on the plus strand (G>A on the coding strand, the complement: SPG11 is on the minus strand). VCF-style: chr15-44569391-C-T. GRCh37 (hg19) VCF-style: chr15-44861589-C-T.
Other names: c.6246+7G>A (NM_001160227.2).
Identifiers: ClinVar variation 413991 (VCV000413991.12), dbSNP rs1060504157, ClinGen allele CA16614764.

ClinVar aggregate classification (germline): Likely benign. Review status: criteria provided, multiple submitters, no conflicts (2 of 4 stars). 2 submissions from 2 submitters: Likely benign (2). Last evaluated 2026-09-08.

Conditions:
SPG11-related disorder. Also called: SPG11-related condition.
Hereditary spastic paraplegia 11. Also called: Spastic Paraplegia 11; SPASTIC PARAPLEGIA, AUTOSOMAL RECESSIVE, COMPLICATED, WITH THIN CORPUS CALLOSUM; SPASTIC PARAPLEGIA, AUTOSOMAL RECESSIVE, WITH MENTAL IMPAIRMENT AND THIN CORPUS CALLOSUM; Spastic paraplegia, mental retardation and thin corpus callosum; Nakamura Osame syndrome; Autosomal recessive hereditary spastic paraplegia, mental impairment, and thin corpus callosum. Identifiers: Orphanet 2822, MedGen C1858479, MONDO:0011445, OMIM 604360.

Allele frequency attached by ClinVar (database versions not stated): gnomAD 0.00001; gnomAD exomes 0.00001; TOPMed 0.00002.
gnomAD v4.1: 15 of 1,585,238 alleles (0.00095%); highest among the groups gnomAD compares: Non-Finnish European, 0.0013%; no homozygotes.

Submissions (2):

PreventionGenetics, part of Exact Sciences
Classification: Likely benign for SPG11-related condition. Last evaluated: 2026-09-08. Review status: criteria provided, single submitter. Criteria: ACMG Guidelines, 2015. Collection method: clinical testing. Allele origin: germline.
Comment: This variant is classified as likely benign based on ACMG/AMP sequence variant interpretation guidelines (Richards et al. 2015 PMID: 25741868, with internal and published modifications).

Labcorp Genetics (formerly Invitae), Labcorp
Classification: Likely benign for Hereditary spastic paraplegia 11. Last evaluated: 2024-12-23. Review status: criteria provided, single submitter. Criteria: Invitae Variant Classification Sherloc (09022015). Collection method: clinical testing. Allele origin: germline.